The following is an entry in ClinVar:

NM_014297.5(ETHE1):c.241del (p.His81fs)

Gene: ETHE1 (ETHE1 persulfide dioxygenase; minus strand). Cytogenetic location: 19q13.31.
Variant type: Deletion.
Coding change: c.241del on transcript NM_014297.5 (MANE Select); coding-DNA position 241, one base deleted (C; older notation c.241delC).
Protein change: p.His81fs; shifts the reading frame from histidine 81.
Molecular consequence: frameshift variant. On other transcripts: intron variant (3).
Genome position (GRCh38, 1-based): chr19:43,526,335, G deleted on the plus strand (C on the coding strand, the reverse complement: ETHE1 is on the minus strand); the first of 2 consecutive G bases (chr19:43,526,335-43,526,336); deleting either gives the same sequence. VCF-style (leftmost placement, unchanged base first): chr19-43526334-TG-T. GRCh37 (hg19) VCF-style: chr19-44030486-TG-T.
Other names: c.81+762del (NM_001320869.2); c.6+180del (NM_001320868.2); c.227-19del (NM_001320867.2); short protein forms H81fs.
Identifiers: ClinVar variation 2836024 (VCV002836024.3), dbSNP rs2513629589, ClinGen allele CA2739276874.
Genomic context (GRCh38, chr19:43,526,334, plus strand): 5'-ACAGACTGGCAGCCAGGGAGGAGGGAACGGAGCAGCCCCGAGCCTGTAATGTGGTCCGCG[TG>T]GCAGTGGGTATTCACTGGGAGAGAGAGGAGGGACAGGTCCGGAGGGTACAGAAAGGACCT-3'

ClinVar aggregate classification (germline): Pathogenic (1 of 4 stars; one submission).

Conditions:
Ethylmalonic encephalopathy (EE). Also called: EPEMA syndrome; Encephalopathy, petechiae, and ethylmalonic aciduria; Syndrome of encephalopathy, petechiae, and ethylmalonic aciduria. Identifiers: Orphanet 51188, MedGen C1865349, MONDO:0011229, OMIM 602473. Disease mechanism: loss of function.

Submission:

Labcorp Genetics (formerly Invitae), Labcorp
Classification: Pathogenic for Ethylmalonic encephalopathy. Last evaluated: 2023-02-10. Review status: criteria provided, single submitter. Criteria: Invitae Variant Classification Sherloc (09022015). Collection method: clinical testing. Allele origin: germline.
Comment: For these reasons, this variant has been classified as Pathogenic. This variant has not been reported in the literature in individuals affected with ETHE1-related conditions. This variant is not present in population databases (gnomAD no frequency). This sequence change creates a premature translational stop signal (p.His81Thrfs*64) in the ETHE1 gene. It is expected to result in an absent or disrupted protein product. Loss-of-function variants in ETHE1 are known to be pathogenic (PMID: 14732903, 19136963).

Literature cited by the submitters: PubMed 14732903; PubMed 19136963.